The following is an entry in ClinVar:

ClinVar aggregate classification (germline): Likely benign (0 of 4 stars; one submission).

Conditions:
CC2D2A-related disorder. Also called: CC2D2A-related condition; CC2D2A-related disorders. Identifiers: MedGen CN239313.

Allele frequency attached by ClinVar (database versions not stated): gnomAD exomes below 0.00001; TOPMed below 0.00001; gnomAD 0.00001.
gnomAD v4.1: 6 of 1,589,658 alleles (0.00038%); highest among the groups gnomAD compares: Non-Finnish European, 0.00051%; no homozygotes.

Submission:

PreventionGenetics, part of Exact Sciences
Classification: Likely benign for CC2D2A-related condition. Last evaluated: 2021-12-16. Review status: no assertion criteria provided. Collection method: clinical testing. Allele origin: germline.
Comment: This variant is classified as likely benign based on ACMG/AMP sequence variant interpretation guidelines (Richards et al. 2015 PMID: 25741868, with internal and published modifications).

NM_001378615.1(CC2D2A):c.1359+4C>A

Genes: CC2D2A (coiled-coil and C2 domain containing 2A; plus strand), FBXL5 (F-box and leucine rich repeat protein 5; minus strand). Cytogenetic location: 4p15.32.
Variant type: single nucleotide variant.
Coding change: c.1359+4C>A on transcript NM_001378615.1 (MANE Select); 4 bases into the intron after coding-DNA position 1359, C replaced by A.
Molecular consequence: intron variant.
Genome position (GRCh38, 1-based): chr4:15,527,660, C>A. VCF-style: chr4-15527660-C-A. GRCh37 (hg19) VCF-style: chr4-15529283-C-A.
Other names: c.1359+4C>A (NM_001080522.2); c.1212+4C>A (NM_001378617.1).
Identifiers: ClinVar variation 3029675 (VCV003029675.2), dbSNP rs762322775, ClinGen allele CA92524598.
Genomic context (GRCh38, chr4:15,527,660, plus strand): 5'-TATGACCAGTACCTTGCAAGACACCAGAGAAACAAGGCGAAATTTCTTACTGATAAGGTA[C>A]ATGTGATTTCTTCCATAATGATTGTCAATGGAGTTGGTTCTTCCAATGAGCCCAAACAAT-3'